The following is an entry in ClinVar:

ClinVar aggregate classification (germline): Benign. Review status: criteria provided, multiple submitters, no conflicts (2 of 4 stars). 2 submissions from 2 submitters: Benign (2). Last evaluated 2018-06-16.

Allele frequency attached by ClinVar (database versions not stated): gnomAD exomes 0.02669 and 0.03650; ExAC 0.04055; gnomAD 0.04884 and 0.05002; TOPMed 0.05586; ESP Exome Variant Server 0.05633; 1000 Genomes Project 0.07444; 1000 Genomes Project 30x 0.07742.
gnomAD v4.1: 32,213 of 1,104,708 alleles (2.9%); highest among the groups gnomAD compares: African/African-American, 11%; 571 homozygotes.

Submissions (2):

GeneDx
Classification: Benign. Last evaluated: 2018-06-16. Review status: criteria provided, single submitter. Criteria: GeneDx Variant Classification (06012015). Collection method: clinical testing. Allele origin: germline. Affected: yes.
Comment: This variant is considered likely benign or benign based on one or more of the following criteria: it is a conservative change, it occurs at a poorly conserved position in the protein, it is predicted to be benign by multiple in silico algorithms, and/or has population frequency not consistent with disease.

Breakthrough Genomics
Classification: Benign. Review status: criteria provided, single submitter. Criteria: ACMG Guidelines, 2015. Collection method: not provided. Allele origin: germline. Inheritance: X-linked inheritance. Affected: yes.

NM_033641.4(COL4A6):c.688-43G>A

Gene: COL4A6 (collagen type IV alpha 6 chain; minus strand). Cytogenetic location: Xq22.3.
Variant type: single nucleotide variant.
Coding change: c.688-43G>A on transcript NM_033641.4 (MANE Select); 43 bases into the intron before coding-DNA position 688, G replaced by A.
Molecular consequence: intron variant.
Genome position (GRCh38, 1-based): chrX:108,204,455, C>T on the plus strand (G>A on the coding strand, the complement: COL4A6 is on the minus strand). VCF-style: chrX-108204455-C-T. GRCh37 (hg19) VCF-style: chrX-107447685-C-T.
Other names: c.691-43G>A (NM_001847.4); c.688-43G>A (NM_001287760.2, NM_001287759.2, NM_001287758.2).
Identifiers: ClinVar variation 683163 (VCV000683163.2), dbSNP rs73636379, ClinGen allele CA10488030.
Genomic context (GRCh38, chrX:108,204,455, plus strand): 5'-AGGGAGGCCAACATCCCCCTGTAAGATCAAATGGAACATTAAGCAAAGTGACAATCACAC[C>T]GACCGTTTTTCCAGAGTGGGGGTTTGTCCTCTGGATGTAACTCACAAATAAACTGTCTCT-3'